The following is an entry in ClinVar:

NM_000038.6(APC):c.6230C>T (p.Thr2077Ile)

Gene: APC (APC regulator of Wnt signaling pathway; plus strand). Cytogenetic location: 5q22.2.
Variant type: single nucleotide variant.
Coding change: c.6230C>T on transcript NM_000038.6 (MANE Select); coding-DNA position 6230, C replaced by T.
Protein change: p.Thr2077Ile; replaces threonine 2077 with isoleucine.
Molecular consequence: missense variant.
Genome position (GRCh38, 1-based): chr5:112,841,824, C>T. VCF-style: chr5-112841824-C-T. GRCh37 (hg19) VCF-style: chr5-112177521-C-T.
Other names: c.6230C>T, p.Thr2077Ile (NM_001127510.3, NM_001354895.2); c.6176C>T, p.Thr2059Ile (NM_001127511.3); c.6284C>T, p.Thr2095Ile (NM_001354896.2); c.6260C>T, p.Thr2087Ile (NM_001354897.2); c.6155C>T, p.Thr2052Ile (NM_001354898.2); c.6146C>T, p.Thr2049Ile (NM_001354899.2); c.6107C>T, p.Thr2036Ile (NM_001354900.2); c.6053C>T, p.Thr2018Ile (NM_001354901.2); and 5 more; short protein forms T1794I, T1951I, T1986I, T2059I, T2087I, T1917I, T1976I, T2049I.
Identifiers: ClinVar variation 801040 (VCV000801040.24), dbSNP rs755022193, ClinGen allele CA044126.

ClinVar aggregate classification (germline): Conflicting classifications of pathogenicity. Review status: criteria provided, conflicting classifications (1 of 4 stars). 6 submissions from 6 submitters: Uncertain significance (5); Likely benign (1). Last evaluated 2025-07-30.

Conditions:
Familial adenomatous polyposis 1 (FAP1). Also called: POLYPOSIS, ADENOMATOUS INTESTINAL; FAMILIAL ADENOMATOUS POLYPOSIS 1, ATTENUATED. Identifiers: MedGen C2713442, MONDO:0021056, OMIM 175100. Disease mechanism: loss of function.
Classic or attenuated familial adenomatous polyposis. Identifiers: MedGen CN372698, MONDO:0021057.
Hereditary cancer-predisposing syndrome. Also called: Tumor predisposition; Neoplastic Syndromes, Hereditary; Hereditary Cancer Syndrome; Hereditary neoplastic syndrome. Identifiers: Orphanet 140162, MedGen C0027672, MeSH D009386, MONDO:0015356.
Desmoid disease, hereditary (DESMD). Also called: FIBROMATOSIS, FAMILIAL INFILTRATIVE. Identifiers: Orphanet 873, MedGen C1851124, OMIM 135290. Disease mechanism: loss of function.

Allele frequency attached by ClinVar (database versions not stated): ExAC 0.00001; gnomAD exomes 0.00001.
gnomAD v4.1: 6 of 1,613,894 alleles (0.00037%); highest among the groups gnomAD compares: East Asian, 0.0022%; no homozygotes.

Submissions (6):

Labcorp Genetics (formerly Invitae), Labcorp
Classification: Uncertain significance for Familial adenomatous polyposis 1. Last evaluated: 2025-07-30. Review status: criteria provided, single submitter. Criteria: Invitae Variant Classification Sherloc (09022015). Collection method: clinical testing. Allele origin: germline.
Comment: This sequence change replaces threonine, which is neutral and polar, with isoleucine, which is neutral and non-polar, at codon 2077 of the APC protein (p.Thr2077Ile). This variant is present in population databases (rs755022193, gnomAD 0.007%). This variant has not been reported in the literature in individuals affected with APC-related conditions. ClinVar contains an entry for this variant (Variation ID: 801040). Invitae Evidence Modeling of protein sequence and biophysical properties (such as structural, functional, and spatial information, amino acid conservation, physicochemical variation, residue mobility, and thermodynamic stability) indicates that this missense variant is not expected to disrupt APC protein function with a negative predictive value of 95%. In summary, the available evidence is currently insufficient to determine the role of this variant in disease. Therefore, it has been classified as a Variant of Uncertain Significance.

Ambry Genetics
Classification: Uncertain significance for Hereditary cancer-predisposing syndrome. Last evaluated: 2025-05-14. Review status: criteria provided, single submitter. Criteria: Ambry Variant Classification Scheme 2023. Collection method: clinical testing. Allele origin: germline.
Comment: The p.T2077I variant (also known as c.6230C>T), located in coding exon 15 of the APC gene, results from a C to T substitution at nucleotide position 6230. The threonine at codon 2077 is replaced by isoleucine, an amino acid with similar properties. This amino acid position is well conserved in available vertebrate species. Missense alterations in APC are not a common cause of disease (Spier I et al. Genet Med. 2024 Feb;26(2):100992). In addition, in silico predictors for this gene do not accurately predict pathogenicity. Since supporting evidence is limited at this time, the clinical significance of this alteration remains unclear.

Color Diagnostics, LLC DBA Color Health
Classification: Likely benign for Hereditary cancer-predisposing syndrome. Last evaluated: 2025-01-06. Review status: criteria provided, single submitter. Criteria: ACMG Guidelines, 2015. Collection method: clinical testing. Allele origin: germline.

All of Us Research Program, National Institutes of Health
Classification: Uncertain significance for Classic or attenuated familial adenomatous polyposis. Last evaluated: 2024-02-05. Review status: criteria provided, single submitter. Criteria: ACMG Guidelines, 2015. Collection method: clinical testing. Allele origin: germline. Inheritance: Autosomal dominant inheritance. Observed: 2 variant alleles, 2 heterozygotes.
Comment: This missense variant replaces threonine with isoleucine at codon 2077 of the APC protein. Computational prediction suggests that this variant may not impact protein structure and function (internally defined REVEL score threshold <= 0.5, PMID: 27666373). Splice site prediction tools suggest that this variant may not impact RNA splicing. To our knowledge, functional studies have not been performed for this variant. This variant has been reported in individual(s) affected with advanced cancer (PMID: 28873162). This variant has been identified in 3/250642 chromosomes in the general population by the Genome Aggregation Database (gnomAD). The available evidence is insufficient to determine the role of this variant in disease conclusively. Therefore, this variant is classified as a Variant of Uncertain Significance.

This study involves interpretation of variants in research participants for the purpose of population health screening. Participant phenotype was not available at the time of variant classification. Additional details can be found in publication PMID: 35346344, PMCID: PMC8962531

Department of Pathology and Laboratory Medicine, Sinai Health System
Classification: Uncertain significance for Familial adenomatous polyposis 1; Desmoid disease, hereditary. Last evaluated: 2021-09-23. Review status: criteria provided, single submitter. Criteria: ACMG Guidelines, 2015. Collection method: clinical testing. Allele origin: germline. Affected: yes.

Quest Diagnostics Nichols Institute San Juan Capistrano
Classification: Uncertain significance. Last evaluated: 2019-07-12. Review status: criteria provided, single submitter. Criteria: Quest Diagnostics criteria. Collection method: clinical testing. Allele origin: germline.

Literature cited by the submitters: PubMed 28873162 (cited by All of Us Research Program, National Institutes of Health and Department of Pathology and Laboratory Medicine, Sinai Health System).